The following is an entry in ClinVar:

ClinVar aggregate classification (germline): Pathogenic (1 of 4 stars; one submission).

Conditions:
Deafness-lymphedema-leukemia syndrome. Also called: Lymphedema, primary, with myelodysplasia; Emberger syndrome. Identifiers: Orphanet 3226, MedGen C3279664, MONDO:0013540, OMIM 614038.
Monocytopenia with susceptibility to infections. Also called: MONOCYTOPENIA AND MYCOBACTERIAL INFECTION SYNDROME; MONOCYTOPENIA WITH SUSCEPTIBILITY TO MYCOBACTERIAL, FUNGAL, AND PAPILLOMAVIRUS INFECTIONS AND MYELODYSPLASIA; COMBINED IMMUNODEFICIENCY WITH SUSCEPTIBILITY TO MYCOBACTERIAL, VIRAL, AND FUNGAL INFECTIONS; Dendritic cell, monocyte, B lymphocyte, and natural killer lymphocyte deficiency; IMMUNODEFICIENCY 21; GATA2 DEFICIENCY. Identifiers: Orphanet 228423, MedGen C3280030, MONDO:0013607, OMIM 614172.

Submission:

Labcorp Genetics (formerly Invitae), Labcorp
Classification: Pathogenic for Monocytopenia with susceptibility to infections; Deafness-lymphedema-leukemia syndrome. Last evaluated: 2024-04-17. Review status: criteria provided, single submitter. Criteria: Invitae Variant Classification Sherloc (09022015). Collection method: clinical testing. Allele origin: germline.
Comment: This sequence change creates a premature translational stop signal (p.Arg362Alafs*26) in the GATA2 gene. While this is not anticipated to result in nonsense mediated decay, it is expected to disrupt the last 119 amino acid(s) of the GATA2 protein. This variant is not present in population databases (gnomAD no frequency). This variant has not been reported in the literature in individuals affected with GATA2-related conditions. This variant disrupts a region of the GATA2 protein in which other variant(s) (p.Arg398Gln) have been determined to be pathogenic (PMID: 26710799, 31309983, 33417088). This suggests that this is a clinically significant region of the protein, and that variants that disrupt it are likely to be disease-causing. For these reasons, this variant has been classified as Pathogenic.

Literature cited by the submitters: PubMed 26710799; PubMed 31309983; PubMed 33417088.

NM_032638.5(GATA2):c.1082_1083dup (p.Arg362fs)

Gene: GATA2 (GATA binding protein 2; minus strand). Cytogenetic location: 3q21.3.
Variant type: Microsatellite.
Coding change: c.1082_1083dup on transcript NM_032638.5 (MANE Select); coding-DNA positions 1082 to 1083, 2 bases duplicated (GC; older notation c.1082_1083dupGC).
Protein change: p.Arg362fs; shifts the reading frame from arginine 362.
Molecular consequence: frameshift variant.
Genome position (GRCh38, 1-based): chr3:128,481,879-128,481,880, GC duplicated on the plus strand (GC on the coding strand, the reverse complement: GATA2 is on the minus strand); duplicating any 2 consecutive bases within chr3:128,481,879-128,481,882 gives the same sequence; the c. name uses the placement nearest the transcript's 3' end. VCF-style (leftmost placement, unchanged base first): chr3-128481878-G-GGC. GRCh37 (hg19) VCF-style: chr3-128200721-G-GGC.
Other names: c.1082_1083dup, p.Arg362fs (NM_001145661.2); c.1040_1041dup, p.Arg348fs (NM_001145662.1); short protein forms R348fs, R362fs.
Identifiers: ClinVar variation 2946891 (VCV002946891.3), dbSNP rs2472920937, ClinGen allele CA2740090994.
Genomic context (GRCh38, chr3:128,481,878, plus strand): 5'-CATTGTGCAGCTTGTAGTAGAGGCCACAGGCGTTGCAGACAGGGTCCCCGTTGGCGTTTC[G>GGC]GCGCCATAAGGTGGTGGTTGTCGTCTGACAATTTGCACAACAGGTGCCGGCTCTTCTGGC-3'